The following is an entry in ClinVar:

ClinVar aggregate classification (germline): Uncertain significance (1 of 4 stars; one submission).

Submission:

Ambry Genetics
Classification: Uncertain significance. Last evaluated: 2024-04-12. Review status: criteria provided, single submitter. Criteria: Ambry Variant Classification Scheme 2023. Collection method: clinical testing. Allele origin: germline.
Comment: The p.E1902D variant (also known as c.5706A>T), located in coding exon 8 of the ALPK2 gene, results from an A to T substitution at nucleotide position 5706. The glutamic acid at codon 1902 is replaced by aspartic acid, an amino acid with highly similar properties. This amino acid position is conserved. In addition, this alteration is predicted to be tolerated by in silico analysis. Based on the available evidence, the clinical significance of this variant remains unclear.

NM_052947.4(ALPK2):c.5706A>T (p.Glu1902Asp)

Gene: ALPK2 (alpha kinase 2; minus strand). Cytogenetic location: 18q21.31.
Variant type: single nucleotide variant.
Coding change: c.5706A>T on transcript NM_052947.4 (MANE Select); coding-DNA position 5706, A replaced by T.
Protein change: p.Glu1902Asp; replaces glutamic acid 1902 with aspartic acid.
Molecular consequence: missense variant.
Genome position (GRCh38, 1-based): chr18:58,517,142, T>A on the plus strand (A>T on the coding strand, the complement: ALPK2 is on the minus strand). VCF-style: chr18-58517142-T-A. GRCh37 (hg19) VCF-style: chr18-56184374-T-A.
Other names: short protein forms E1902D.
Identifiers: ClinVar variation 3290060 (VCV003290060.1).
Genomic context (GRCh38, chr18:58,517,142, plus strand): 5'-CTCCTCCGTGGCGATCTGACCACGCAGGCGGCCCCCAAAGTAGCTGTCATGGAGGAAGTC[T>A]TCTTTGAAGATGAGTTGGCTGAATTCAATCTCTTCACATCCTGAAACACAGCACAGCTTT-3'
Protein context (NP_443179.3, residues 1892-1912): EIEFSQLIFK[Glu1902Asp]DFLHDSYFGG